The following is an entry in ClinVar:

NM_000583.4(GC):c.1327_1328insT (p.Asn443fs)

Gene: GC (GC vitamin D binding protein; minus strand). Cytogenetic location: 4q13.3.
Variant type: Insertion.
Coding change: c.1327_1328insT on transcript NM_000583.4 (MANE Select); coding-DNA positions 1327 to 1328, T inserted.
Protein change: p.Asn443fs; shifts the reading frame from asparagine 443.
Molecular consequence: frameshift variant.
Genome position: GRCh38 VCF-style: chr4-71752585-T-TA. GRCh37 (hg19) VCF-style: chr4-72618302-T-TA.
Other names: c.1327_1328insT, p.Asn443fs (NM_001204306.1); c.1384_1385insT, p.Asn462fs (NM_001204307.1); short protein forms N443fs, N462fs.
Identifiers: ClinVar variation 3336649 (VCV003336649.1).

ClinVar aggregate classification (germline): no classifications from unflagged records (0 of 4 stars; one submission).

Conditions:
Chronic obstructive pulmonary disease. Also called: Chronic pulmonary obstruction. Identifiers: MedGen C0024117, MeSH D029424, MONDO:0005002, OMIM 606963, HP:0006510.

Submission:

Dr Mariam's Lab, University of the Punjab
Classification: Likely pathogenic for Chronic obstructive pulmonary disease. Review status: flagged submission. Collection method: case-control. Allele origin: germline. Affected: yes.
ClinVar note: Notes: This phenotype is not a monogenic disease. The terms P/LP are not appropriate.
ClinVar note: Reason: Other